The following is an entry in ClinVar:

ClinVar aggregate classification (germline): Benign. Review status: criteria provided, multiple submitters, no conflicts (2 of 4 stars). 10 submissions from 10 submitters: Benign (6). 4 of the submissions do not count toward it. Last evaluated 2025-07-01.

Allele frequency attached by ClinVar (database versions not stated): ExAC 0.00401; gnomAD 0.01256 and 0.01346; 1000 Genomes Project 0.01358; TOPMed 0.01398; ESP Exome Variant Server 0.01384; gnomAD exomes 0.00316; 1000 Genomes Project 30x 0.01312.
gnomAD v4.1: 3,622 of 1,612,520 alleles (0.22%); highest among the groups gnomAD compares: African/African-American, 4.2%; 80 homozygotes.

Submissions (10):

ARUP Laboratories, Molecular Genetics and Genomics, ARUP Laboratories
Classification: Benign. Last evaluated: 2025-07-01. Review status: criteria provided, single submitter. Criteria: ARUP Molecular Germline Variant Investigation Process 2024. Collection method: clinical testing. Allele origin: germline.

Molecular Diagnostic Laboratory for Inherited Cardiovascular Disease, Montreal Heart Institute
Classification: Benign. Last evaluated: 2025-04-09. Review status: criteria provided, single submitter. Criteria: ACMG Guidelines, 2015. Collection method: clinical testing. Allele origin: germline. Affected: no.
Comment: BS1;BP1;BP4;BP6

GeneDx
Classification: Benign. Last evaluated: 2014-02-12. Review status: criteria provided, single submitter. Criteria: GeneDx Variant Classification (06012015). Collection method: clinical testing. Allele origin: germline. Affected: yes.
Comment: This variant is considered likely benign or benign based on one or more of the following criteria: it is a conservative change, it occurs at a poorly conserved position in the protein, it is predicted to be benign by multiple in silico algorithms, and/or has population frequency not consistent with disease.

Biesecker Lab/Clinical Genomics Section, National Institutes of Health
Classification: Benign. Last evaluated: 2013-06-24. Review status: criteria provided, single submitter. Criteria: Ng et al. (Circ Cardiovasc Genet. 2013). Collection method: research. Allele origin: unknown. Observed: 2 variant alleles. Study: ClinSeq.
Comment: The study set was not selected for affection status in relation to any cancer. Pathogenicity categories were based on literature curation. See Pubmed ID:23861362 for details.

Medical sequencing

Laboratory for Molecular Medicine, Mass General Brigham Personalized Medicine
Classification: Benign. Last evaluated: 2012-04-11. Review status: criteria provided, single submitter. Criteria: LMM Criteria. Collection method: clinical testing. Allele origin: germline. Observed: 18 variant alleles.
Comment: Lys4493Thr in exon 45A of TTN: This variant is not expected to have clinical sig nificance because it does not alter an amino acid residue and has been identifie d in 4.0% (151/3738) of African American chromosomes from a broad population by the NHLBI Exome Sequencing Project (dbSNP rs78 457662).

Breakthrough Genomics
Classification: Benign. Review status: criteria provided, single submitter. Criteria: ACMG Guidelines, 2015. Collection method: not provided. Allele origin: germline. Inheritance: Autosomal recessive inheritance. Affected: yes.

Clinical Genetics, Academic Medical Center
Classification: Benign. Review status: no assertion criteria provided. Collection method: clinical testing. Allele origin: germline. Affected: yes. Study: VKGL Data-share Consensus. Not counted in ClinVar's aggregate classification.

Diagnostic Laboratory, Department of Genetics, University Medical Center Groningen
Classification: Likely benign. Review status: no assertion criteria provided. Collection method: clinical testing. Allele origin: germline. Affected: yes. Study: VKGL Data-share Consensus. Not counted in ClinVar's aggregate classification.

Genome Diagnostics Laboratory, University Medical Center Utrecht
Classification: Benign. Review status: no assertion criteria provided. Collection method: clinical testing. Allele origin: germline. Affected: yes. Study: VKGL Data-share Consensus. Not counted in ClinVar's aggregate classification.

Laboratory of Diagnostic Genome Analysis, Leiden University Medical Center (LUMC)
Classification: Likely benign. Review status: no assertion criteria provided. Collection method: clinical testing. Allele origin: germline. Affected: yes. Study: VKGL Data-share Consensus. Not counted in ClinVar's aggregate classification.

NM_133379.5(TTN):c.13478A>C (p.Lys4493Thr)

Gene: TTN (titin; minus strand). Cytogenetic location: 2q31.2.
Variant type: single nucleotide variant.
Coding change: c.13478A>C on transcript NM_133379.5; coding-DNA position 13478, A replaced by C.
Protein change: p.Lys4493Thr; replaces lysine 4493 with threonine.
Molecular consequence: missense variant. On other transcripts: intron variant (6).
Genome position (GRCh38, 1-based): chr2:178,748,922, T>G on the plus strand (A>C on the coding strand, the complement: TTN is on the minus strand). VCF-style: chr2-178748922-T-G. GRCh37 (hg19) VCF-style: chr2-179613649-T-G.
Other names: p.K4493T:AAA>ACA; c.10360+4202A>C (NM_133378.4, NM_001256850.1); c.10222+4202A>C (NM_003319.4); c.10798+4202A>C (NM_133437.4); c.10597+4202A>C (NM_133432.3); c.11311+4202A>C (NM_001267550.2); short protein forms K4493T.
Identifiers: ClinVar variation 47757 (VCV000047757.14), dbSNP rs78457662, ClinGen allele CA284458.